The following is an entry in ClinVar:

NM_000051.4(ATM):c.4398A>G (p.Arg1466=)

Gene: ATM (ATM serine/threonine kinase; plus strand). Cytogenetic location: 11q22.3.
Variant type: single nucleotide variant.
Coding change: c.4398A>G on transcript NM_000051.4 (MANE Select); coding-DNA position 4398, A replaced by G.
Protein change: p.Arg1466=; no amino-acid change (arginine 1466 retained).
Molecular consequence: synonymous variant.
Genome position (GRCh38, 1-based): chr11:108,289,763, A>G. VCF-style: chr11-108289763-A-G. GRCh37 (hg19) VCF-style: chr11-108160490-A-G.
Other names: c.4398A>G, p.Arg1466= (NM_001351834.2).
Identifiers: ClinVar variation 184024 (VCV000184024.24), dbSNP rs142728382, ClinGen allele CA187533.

ClinVar aggregate classification (germline): Benign/Likely benign. Review status: criteria provided, multiple submitters, no conflicts (2 of 4 stars). 9 submissions from 9 submitters: Benign (1); Likely benign (7). 1 of the submissions does not count toward it. Last evaluated 2026-06-22.

Conditions:
ATM-related disorder. Also called: ATM-related disorders; ATM-related condition.
Breast and/or ovarian cancer. Identifiers: MedGen CN221562.
Hereditary cancer-predisposing syndrome. Also called: Tumor predisposition; Neoplastic Syndromes, Hereditary; Hereditary neoplastic syndrome; Hereditary Cancer Syndrome. Identifiers: Orphanet 140162, MedGen C0027672, MeSH D009386, MONDO:0015356.
Familial cancer of breast. Also called: hereditary breast carcinoma; BREAST CANCER, FAMILIAL; Hereditary breast cancer. Identifiers: Orphanet 227535, MedGen C0346153, MONDO:0016419, OMIM 114480. Disease mechanism: loss of function.
Ataxia-telangiectasia syndrome (AT). Also called: ATAXIA-TELANGIECTASIA, COMPLEMENTATION GROUP A; ATAXIA-TELANGIECTASIA, FRESNO VARIANT; Ataxia-telangiectasia; Ataxia-telangiectasia, complementation group E; Cerebello-oculocutaneous telangiectasia; Immunodeficiency with ataxia telangiectasia. Identifiers: Orphanet 100, MedGen C0004135, MONDO:0008840, OMIM 208900.

Allele frequency attached by ClinVar (database versions not stated): gnomAD exomes below 0.00001 and 0.00001; gnomAD 0.00001; TOPMed 0.00001; ESP Exome Variant Server 0.00008.
gnomAD v4.1: 13 of 1,613,444 alleles (0.00081%); highest among the groups gnomAD compares: South Asian, 0.0022%; no homozygotes.

Submissions (9):

Women's Health and Genetics/Laboratory Corporation of America, LabCorp
Classification: Likely benign. Last evaluated: 2026-06-22. Review status: criteria provided, single submitter. Criteria: LabCorp Variant Classification Summary - May 2015. Collection method: clinical testing. Allele origin: germline.

Labcorp Genetics (formerly Invitae), Labcorp
Classification: Likely benign for Ataxia-telangiectasia syndrome. Last evaluated: 2026-01-11. Review status: criteria provided, single submitter. Criteria: Invitae Variant Classification Sherloc (09022015). Collection method: clinical testing. Allele origin: germline.

Blueprint Genetics
Classification: Likely benign. Last evaluated: 2024-11-07. Review status: criteria provided, single submitter. Criteria: ACMG Guidelines, 2015. Collection method: clinical testing. Allele origin: germline.

Myriad Genetics, Inc.
Classification: Benign for Familial cancer of breast. Last evaluated: 2024-05-17. Review status: criteria provided, single submitter. Criteria: Myriad Autosomal Dominant, Autosomal Recessive and X-Linked Classification Criteria (2023). Collection method: clinical testing. Allele origin: unknown.
Comment: This variant is considered benign. This variant is a silent/synonymous amino acid change and it is not expected to impact splicing.

CHEO Genetics Diagnostic Laboratory, Children's Hospital of Eastern Ontario
Classification: Likely benign for Breast and/or ovarian cancer. Last evaluated: 2023-06-05. Review status: criteria provided, single submitter. Criteria: ACMG Guidelines, 2015. Collection method: clinical testing. Allele origin: germline.

GeneDx
Classification: Likely benign. Last evaluated: 2017-08-23. Review status: criteria provided, single submitter. Criteria: GeneDx Variant Classification (06012015). Collection method: clinical testing. Allele origin: germline. Affected: yes.
Comment: This variant is considered likely benign or benign based on one or more of the following criteria: it is a conservative change, it occurs at a poorly conserved position in the protein, it is predicted to be benign by multiple in silico algorithms, and/or has population frequency not consistent with disease.

Color Diagnostics, LLC DBA Color Health
Classification: Likely benign for Hereditary cancer-predisposing syndrome. Last evaluated: 2017-03-10. Review status: criteria provided, single submitter. Criteria: ACMG Guidelines, 2015. Collection method: clinical testing. Allele origin: germline.

Ambry Genetics
Classification: Likely benign for Hereditary cancer-predisposing syndrome. Last evaluated: 2015-12-04. Review status: criteria provided, single submitter. Criteria: Ambry Variant Classification Scheme 2023. Collection method: clinical testing. Allele origin: germline.

PreventionGenetics, part of Exact Sciences
Classification: Likely benign for ATM-related condition. Last evaluated: 2023-01-27. Review status: no assertion criteria provided. Collection method: clinical testing. Allele origin: germline. Not counted in ClinVar's aggregate classification.
Comment: This variant is classified as likely benign based on ACMG/AMP sequence variant interpretation guidelines (Richards et al. 2015 PMID: 25741868, with internal and published modifications).